The following is an entry in ClinVar:

NM_000238.4(KCNH2):c.959C>G (p.Ser320Trp)

Gene: KCNH2 (potassium voltage-gated channel subfamily H member 2; minus strand). Cytogenetic location: 7q36.1.
Variant type: single nucleotide variant.
Coding change: c.959C>G on transcript NM_000238.4 (MANE Select); coding-DNA position 959, C replaced by G.
Protein change: p.Ser320Trp; replaces serine 320 with tryptophan.
Molecular consequence: missense variant.
Genome position (GRCh38, 1-based): chr7:150,957,460, G>C on the plus strand (C>G on the coding strand, the complement: KCNH2 is on the minus strand). VCF-style: chr7-150957460-G-C. GRCh37 (hg19) VCF-style: chr7-150654548-G-C.
Other names: p.S320W:TCG>TGG; c.671C>G, p.Ser224Trp (NM_001406753.1, NM_001406756.1); c.782C>G, p.Ser261Trp (NM_001406755.1); c.659C>G, p.Ser220Trp (NM_001406757.1); c.959C>G, p.Ser320Trp (NM_172056.3); short protein forms S320W, S224W, S261W, S220W.
Identifiers: ClinVar variation 200312 (VCV000200312.19), dbSNP rs199472886, ClinGen allele CA009032.
Genomic context (GRCh38, chr7:150,957,460, plus strand): 5'-AAGTTGAGGGTGATTTGGGGAATCTTGCTAATGGTGCGGTAGCGCACGAGGTCGGAGTCC[G>C]AGGTGGAGTTGAGCAAGCCGCTGCGCAGTGGGTGCATGGCCCCTAGGTGGAGAGGCAGCG-3'
Protein context (NP_000229.1, residues 310-330): PLRSGLLNST[Ser320Trp]DSDLVRYRTI

ClinVar aggregate classification (germline): Uncertain significance. Review status: criteria provided, multiple submitters, no conflicts (2 of 4 stars). 5 submissions from 5 submitters: Uncertain significance (5). Last evaluated 2024-10-14.

Conditions:
Cardiac arrhythmia. Also called: Arrhythmia; Cardiac rhythm disease. Identifiers: MedGen C0003811, MONDO:0007263, HP:0011675.
Long QT syndrome (LQTS). Identifiers: MedGen C0023976, MeSH D008133, MONDO:0002442. Disease mechanism: loss of function. Inheritance: Various modes of inheritance.

gnomAD v4.1: 12 of 1,614,112 alleles (0.00074%); highest among the groups gnomAD compares: Non-Finnish European, 0.00093%; no homozygotes.

Submissions (5):

Blueprint Genetics
Classification: Uncertain significance. Last evaluated: 2024-10-14. Review status: criteria provided, single submitter. Criteria: ACMG Guidelines, 2015. Collection method: clinical testing. Allele origin: germline.

Labcorp Genetics (formerly Invitae), Labcorp
Classification: Uncertain significance for Long QT syndrome. Last evaluated: 2024-06-26. Review status: criteria provided, single submitter. Criteria: Invitae Variant Classification Sherloc (09022015). Collection method: clinical testing. Allele origin: germline.
Comment: This sequence change replaces serine, which is neutral and polar, with tryptophan, which is neutral and slightly polar, at codon 320 of the KCNH2 protein (p.Ser320Trp). This variant is present in population databases (rs199472886, gnomAD 0.0009%). This missense change has been observed in individual(s) with long QT syndrome (PMID: 23631430). ClinVar contains an entry for this variant (Variation ID: 200312). An algorithm developed to predict the effect of missense changes on protein structure and function (PolyPhen-2) suggests that this variant is likely to be disruptive. In summary, the available evidence is currently insufficient to determine the role of this variant in disease. Therefore, it has been classified as a Variant of Uncertain Significance.

GeneDx
Classification: Uncertain significance. Last evaluated: 2024-03-19. Review status: criteria provided, single submitter. Criteria: GeneDx Variant Classification Process June 2021. Collection method: clinical testing. Allele origin: germline. Affected: yes.
Comment: Not observed at significant frequency in large population cohorts (gnomAD); In silico analysis supports that this missense variant has a deleterious effect on protein structure/function; Reported in a patient referred for long QT syndrome (LQTS) genetic testing (PMID: 23631430); This variant is associated with the following publications: (PMID: 23631430)

All of Us Research Program, National Institutes of Health
Classification: Uncertain significance for Long QT syndrome. Last evaluated: 2023-10-02. Review status: criteria provided, single submitter. Criteria: ACMG Guidelines, 2015. Collection method: clinical testing. Allele origin: germline. Inheritance: Autosomal dominant inheritance. Observed: 1 variant allele, 1 heterozygote.
Comment: This missense variant replaces serine with tryptophan at codon 320 of the KCNH2 protein. Computational prediction suggests that this variant may have deleterious impact on protein structure and function (internally defined REVEL score threshold >= 0.7, PMID: 27666373). This variant is found within a highly conserved cytoplasmic domain (a.a. 1-403). Rare non-truncating variants in this region have been shown to be significantly overrepresented in individuals with long QT syndrome (PMID: 32893267). A functional study has shown that this variant does not change potassium channel current (Mattivi et al., 2018). This variant has been reported an individual suspected of long QT syndrome (PMID: 23631430). This variant has been identified in 1/250452 chromosomes in the general population by the Genome Aggregation Database (gnomAD). The available evidence is insufficient to determine the role of this variant in disease conclusively. Therefore, this variant is classified as a Variant of Uncertain Significance.

This study involves interpretation of variants in research participants for the purpose of population health screening. Participant phenotype was not available at the time of variant classification. Additional details can be found in publication PMID: 35346344, PMCID: PMC8962531

Color Diagnostics, LLC DBA Color Health
Classification: Uncertain significance for Cardiac arrhythmia. Last evaluated: 2023-09-14. Review status: criteria provided, single submitter. Criteria: ACMG Guidelines, 2015. Collection method: clinical testing. Allele origin: germline.
Comment: This missense variant replaces serine with tryptophan at codon 320 of the KCNH2 protein. Computational prediction suggests that this variant may have deleterious impact on protein structure and function (internally defined REVEL score threshold >= 0.7, PMID: 27666373). This variant is found within a highly conserved cytoplasmic domain (a.a. 1-403). Rare non-truncating variants in this region have been shown to be significantly overrepresented in individuals with long QT syndrome (PMID: 32893267). A functional study has shown that this variant does not change potassium channel current (Mattivi et al., 2018). This variant has been reported an individual suspected of long QT syndrome (PMID: 23631430). This variant has been identified in 1/250452 chromosomes in the general population by the Genome Aggregation Database (gnomAD). The available evidence is insufficient to determine the role of this variant in disease conclusively. Therefore, this variant is classified as a Variant of Uncertain Significance.

Literature cited by the submitters: PubMed 23631430 (cited by 3 submitters); PubMed 32893267 (cited by All of Us Research Program, National Institutes of Health and Color Diagnostics, LLC DBA Color Health).